The following is an entry in ClinVar:

ClinVar aggregate classification (germline): Uncertain significance. Review status: criteria provided, multiple submitters, no conflicts (2 of 4 stars). 2 submissions from 2 submitters: Uncertain significance (2). Last evaluated 2024-02-13.

Conditions:
Neurodevelopmental disorder with cerebral atrophy and variable facial dysmorphism. Identifiers: MedGen C5543228, MONDO:0030999, OMIM 619244.

Allele frequency attached by ClinVar (database versions not stated): gnomAD exomes below 0.00001; TOPMed 0.00001.
gnomAD v4.1: 3 of 1,614,096 alleles (0.00019%); highest among the groups gnomAD compares: East Asian, 0.0022%; no homozygotes.

Submissions (2):

Ambry Genetics
Classification: Uncertain significance. Last evaluated: 2024-02-13. Review status: criteria provided, single submitter. Criteria: Ambry Variant Classification Scheme 2023. Collection method: clinical testing. Allele origin: germline.

Juno Genomics, Hangzhou Juno Genomics, Inc
Classification: Uncertain significance for Neurodevelopmental disorder with cerebral atrophy and variable facial dysmorphism. Review status: criteria provided, single submitter. Criteria: ACMG Guidelines, 2015. Collection method: clinical testing. Allele origin: germline.
Comment: Absent from controls (or at extremely low frequency if recessive) in Genome Aggregation Database.

NM_138376.3(TTC5):c.593A>G (p.Gln198Arg)

Gene: TTC5 (tetratricopeptide repeat domain 5; minus strand). Cytogenetic location: 14q11.2.
Variant type: single nucleotide variant.
Coding change: c.593A>G on transcript NM_138376.3 (MANE Select); coding-DNA position 593, A replaced by G.
Protein change: p.Gln198Arg; replaces glutamine 198 with arginine.
Molecular consequence: missense variant.
Genome position (GRCh38, 1-based): chr14:20,298,843, T>C on the plus strand (A>G on the coding strand, the complement: TTC5 is on the minus strand). VCF-style: chr14-20298843-T-C. GRCh37 (hg19) VCF-style: chr14-20767002-T-C.
Other names: short protein forms Q198R.
Identifiers: ClinVar variation 3184375 (VCV003184375.3), dbSNP rs1386351306, ClinGen allele CA389095314.